The following is an entry in ClinVar:

ClinVar aggregate classification (germline): Benign/Likely benign. Review status: criteria provided, multiple submitters, no conflicts (2 of 4 stars). 8 submissions from 8 submitters: Benign (5); Likely benign (3). Last evaluated 2026-02-03.

Conditions:
Early-infantile DEE. Also called: Ohtahara syndrome; Early infantile epileptic encephalopathy; Early infantile epileptic encephalopathy with suppression bursts. Identifiers: Orphanet 1934, MedGen C0393706, MONDO:0800491.
Inborn genetic diseases. Identifiers: MedGen C0950123, MeSH D030342.

Submissions (8):

Labcorp Genetics (formerly Invitae), Labcorp
Classification: Benign for Early-infantile DEE. Last evaluated: 2026-02-03. Review status: criteria provided, single submitter. Criteria: Invitae Variant Classification Sherloc (09022015). Collection method: clinical testing. Allele origin: germline.

Women's Health and Genetics/Laboratory Corporation of America, LabCorp
Classification: Benign. Last evaluated: 2025-03-17. Review status: criteria provided, single submitter. Criteria: LabCorp Variant Classification Summary - May 2015. Collection method: clinical testing. Allele origin: germline.
Comment: Variant summary: SCN8A c.*3_*5delGAG is located in the untranslated mRNA region downstream of the termination codon. The variant allele was found at a frequency of 0.00049 in 229728 control chromosomes, predominantly at a frequency of 0.0071 within the African or African-American subpopulation in the gnomAD database. The observed variant frequency within African or African-American control individuals in the gnomAD database exceeds the estimated maximal expected allele frequency for a pathogenic variant in SCN8A causing Early Infantile Epileptic Encephalopathy 13 phenotype. To our knowledge, no occurrence of c.*3_*5delGAG in individuals affected with Early Infantile Epileptic Encephalopathy 13 and no experimental evidence demonstrating its impact on protein function have been reported. ClinVar contains an entry for this variant (Variation ID: 196030). Based on the evidence outlined above, the variant was classified as benign.

Mayo Clinic Laboratories, Mayo Clinic
Classification: Benign. Last evaluated: 2024-11-22. Review status: criteria provided, single submitter. Criteria: ACMG Guidelines, 2015. Collection method: clinical testing. Allele origin: germline. Observed: 4 variant alleles.
Comment: BS1, BS2

Blueprint Genetics
Classification: Likely benign. Last evaluated: 2024-10-02. Review status: criteria provided, single submitter. Criteria: ACMG Guidelines, 2015. Collection method: clinical testing. Allele origin: germline.

Athena Diagnostics
Classification: Benign. Last evaluated: 2017-09-30. Review status: criteria provided, single submitter. Criteria: Athena Diagnostics Criteria. Collection method: clinical testing. Allele origin: germline.

Ambry Genetics
Classification: Likely benign for Inborn genetic diseases. Last evaluated: 2016-10-10. Review status: criteria provided, single submitter. Criteria: Ambry Variant Classification Scheme 2023. Collection method: clinical testing. Allele origin: germline.

GeneDx
Classification: Benign. Last evaluated: 2015-03-03. Review status: criteria provided, single submitter. Criteria: GeneDx Variant Classification Process June 2021. Collection method: clinical testing. Allele origin: germline. Affected: yes.

Eurofins Ntd Llc (ga)
Classification: Likely benign. Last evaluated: 2014-11-25. Review status: criteria provided, single submitter. Criteria: EGL Classification Definitions 2015. Collection method: clinical testing. Allele origin: germline. Observed: 1 variant allele, 1 heterozygote.

NM_001330260.2(SCN8A):c.5943GAG[1] (p.Ter1981=)

Gene: SCN8A (sodium voltage-gated channel alpha subunit 8; plus strand). Cytogenetic location: 12q13.13.
Variant type: Microsatellite.
Coding change: c.5943GAG[1] on transcript NM_001330260.2 (MANE Select); one copy of the 3-base unit GAG starting at c.5943; the reference has two copies in a row; one copy, 3 bases deleted.
Protein change: p.Ter1981=.
Molecular consequence: no sequence alteration.
Genome position (GRCh38, 1-based): chr12:51,807,432-51,807,434, GAG deleted; deleting any 3 consecutive bases within chr12:51,807,429-51,807,434 gives the same sequence; the position shown is the placement nearest the transcript's 3' end. VCF-style (leftmost placement, unchanged base first): chr12-51807428-AGAG-A. GRCh37 (hg19) VCF-style: chr12-52201212-AGAG-A.
Other names: c.5820GAG[1], p.Ter1940= (NM_001177984.3, NM_001369788.1); c.5943GAG[1], p.Ter1981= (NM_014191.4); c.*3_*5delGAG (NM_014191.4); c.*3_*5del (NM_014191.4).
Identifiers: ClinVar variation 196030 (VCV000196030.28), dbSNP rs555793953, ClinGen allele CA202091.
Genomic context (GRCh38, chr12:51,807,428, plus strand): 5'-CAGAGGAAGGAAGAAGGGAAAGAGCCAAAAGACAAAAAGAGGTCAGAGAATCCAAGTGTT[AGAG>A]GAGAACAAAAATTCAGTATTATACAGATCTAAAACTCGCAAGTGAAAGATTGTTTACAAA-3'